The following is an entry in ClinVar:

ClinVar aggregate classification (germline): Likely pathogenic. Review status: criteria provided, multiple submitters, no conflicts (2 of 4 stars). 2 submissions from 2 submitters: Likely pathogenic (2). Last evaluated 2025-09-20.

Conditions:
Neurodevelopmental disorder with growth retardation, dysmorphic facies, and corpus callosum abnormalities. Identifiers: MedGen C5774251, MONDO:0859312, OMIM 620113.

Submissions (2):

Dasa
Classification: Likely pathogenic. Last evaluated: 2025-09-20. Review status: criteria provided, single submitter. Criteria: DASA Assertion Criteria. Collection method: clinical testing. Allele origin: germline.
Comment: NM_145246.5(FRA10AC1):c.76del (p.Arg26Glyfs*44) is a frameshift variant in FRA10AC1 predicted to alter the reading frame and introduce a premature termination codon and is predicted to result in an absent or altered protein product. Loss of function is an established disease mechanism for FRA10AC1-associated disorders. Also, this variant is rare in population databases. Based on the currently available evidence, this variant is classified as likely pathogenic.

Laboratorio de Genetica e Diagnostico Molecular, Hospital Israelita Albert Einstein
Classification: Likely pathogenic for Neurodevelopmental disorder with growth retardation, dysmorphic facies, and corpus callosum abnormalities. Last evaluated: 2024-09-14. Review status: criteria provided, single submitter. Criteria: ACMG Guidelines, 2015. Collection method: clinical testing. Allele origin: germline. Affected: yes.
Comment: ACMG classification criteria: PVS1 very strong, PM2 supporting

NM_145246.5(FRA10AC1):c.76del (p.Arg26fs)

Gene: FRA10AC1 (FRA10A associated CGG repeat 1; minus strand). Cytogenetic location: 10q23.33.
Variant type: Deletion.
Coding change: c.76del on transcript NM_145246.5 (MANE Select); coding-DNA position 76, one base deleted (A; older notation c.76delA).
Protein change: p.Arg26fs; shifts the reading frame from arginine 26.
Molecular consequence: frameshift variant. On other transcripts: non-coding transcript variant (1).
Genome position (GRCh38, 1-based): chr10:93,700,031, T deleted on the plus strand (A on the coding strand, the reverse complement: FRA10AC1 is on the minus strand); the first of 7 consecutive T bases (chr10:93,700,031-93,700,037); deleting any one gives the same sequence. VCF-style (leftmost placement, unchanged base first): chr10-93700030-CT-C. GRCh37 (hg19) VCF-style: chr10-95459787-CT-C.
Other names: c.76del, p.Arg26fs (NM_001347712.2, NM_001347713.2, NM_001347714.2 and 1 more transcripts); short protein forms R26fs.
Identifiers: ClinVar variation 3902020 (VCV003902020.3).